The following is an entry in ClinVar:

NM_000052.7(ATP7A):c.3515_3522delinsAAG (p.Ala1172fs)

Gene: ATP7A (ATPase copper transporting alpha; plus strand). Cytogenetic location: Xq21.1.
Variant type: Indel.
Coding change: c.3515_3522delinsAAG on transcript NM_000052.7 (MANE Select); coding-DNA positions 3515 to 3522, CTCTTAAT replaced by AAG.
Protein change: p.Ala1172fs; shifts the reading frame from alanine 1172.
Molecular consequence: frameshift variant. On other transcripts: non-coding transcript variant (1).
Genome position (GRCh38, 1-based): chrX:78,038,839-78,038,846, CTCTTAAT replaced by AAG. VCF-style: chrX-78038839-CTCTTAAT-AAG. GRCh37 (hg19) VCF-style: chrX-77294337-CTCTTAAT-AAG.
Other names: c.3281_3288delinsAAG, p.Ala1094fs (NM_001282224.2); short protein forms A1094fs, A1172fs.
Identifiers: ClinVar variation 1726734 (VCV001726734.3), dbSNP rs2522410495, ClinGen allele CA2580101983.

ClinVar aggregate classification (germline): Likely pathogenic (1 of 4 stars; one submission).

Conditions:
Menkes kinky-hair syndrome (MNK). Also called: Copper transport disease; Classic Menkes Disease; Menkes Disease. Identifiers: Orphanet 565, MedGen C0022716, MONDO:0010651, OMIM 309400.

Submission:

Myriad Genetics, Inc.
Classification: Likely pathogenic for Menkes kinky-hair syndrome. Last evaluated: 2021-12-31. Review status: criteria provided, single submitter. Criteria: Myriad Autosomal Dominant, Autosomal Recessive and X-Linked Classification Criteria (2023). Collection method: clinical testing. Allele origin: unknown.
Comment: NM_000052.5(ATP7A):c.3515_3522del8ins3(A1172Efs*6) is expected to be pathogenic in the context of ATP7A-related disorders. This variant is predicted to lead to an abnormal or absent protein product due to the creation of a premature termination codon in ATP7A, a gene where loss-of-function variants are known to be pathogenic. Please note: this variant was assessed in the context of healthy population screening.